The following is an entry in ClinVar:

NM_004268.5(MED17):c.302A>G (p.Asn101Ser)

Gene: MED17 (mediator complex subunit 17; plus strand). Cytogenetic location: 11q21.
Variant type: single nucleotide variant.
Coding change: c.302A>G on transcript NM_004268.5 (MANE Select); coding-DNA position 302, A replaced by G.
Protein change: p.Asn101Ser; replaces asparagine 101 with serine.
Molecular consequence: missense variant.
Genome position (GRCh38, 1-based): chr11:93,788,052, A>G. VCF-style: chr11-93788052-A-G. GRCh37 (hg19) VCF-style: chr11-93521218-A-G.
Other names: short protein forms N101S.
Identifiers: ClinVar variation 1029810 (VCV001029810.4), dbSNP rs775443807, ClinGen allele CA226522569.

ClinVar aggregate classification (germline): Uncertain significance. Review status: criteria provided, multiple submitters, no conflicts (2 of 4 stars). 2 submissions from 2 submitters: Uncertain significance (2). Last evaluated 2024-04-10.

Conditions:
Infantile cerebral and cerebellar atrophy with postnatal progressive microcephaly (MSBA). Identifiers: Orphanet 402364, MedGen C3150921, MONDO:0013351, OMIM 613668.

Allele frequency attached by ClinVar (database versions not stated): TOPMed below 0.00001; gnomAD 0.00001.
gnomAD v4.1: 19 of 1,613,898 alleles (0.0012%); highest among the groups gnomAD compares: Middle Eastern, 0.12%; no homozygotes.

Submissions (2):

Labcorp Genetics (formerly Invitae), Labcorp
Classification: Uncertain significance. Last evaluated: 2024-04-10. Review status: criteria provided, single submitter. Criteria: Invitae Variant Classification Sherloc (09022015). Collection method: clinical testing. Allele origin: germline.
Comment: This sequence change replaces asparagine, which is neutral and polar, with serine, which is neutral and polar, at codon 101 of the MED17 protein (p.Asn101Ser). This variant is present in population databases (no rsID available, gnomAD 0.007%). This missense change has been observed in individual(s) with seizures and hypoplasia of the corpus callosum (PMID: 30919572). ClinVar contains an entry for this variant (Variation ID: 1029810). Advanced modeling of protein sequence and biophysical properties (such as structural, functional, and spatial information, amino acid conservation, physicochemical variation, residue mobility, and thermodynamic stability) performed at Invitae indicates that this missense variant is not expected to disrupt MED17 protein function with a negative predictive value of 80%. In summary, the available evidence is currently insufficient to determine the role of this variant in disease. Therefore, it has been classified as a Variant of Uncertain Significance.

Baylor Genetics
Classification: Uncertain significance for Infantile cerebral and cerebellar atrophy with postnatal progressive microcephaly. Last evaluated: 2019-12-19. Review status: criteria provided, single submitter. Criteria: ACMG Guidelines, 2015. Collection method: clinical testing. Allele origin: unknown. Affected: yes.
Comment: This variant was determined to be of uncertain significance according to ACMG Guidelines, 2015 [PMID:25741868].

Literature cited by the submitters: PubMed 30919572 (cited by Labcorp Genetics (formerly Invitae), Labcorp).